The following is an entry in ClinVar:

NM_015602.4(TOR1AIP1):c.4G>A (p.Ala2Thr)

Genes: TOR1AIP1 (torsin 1A interacting protein 1; plus strand), LOC112577517 (Sharpr-MPRA regulatory region 13766; plus strand). Cytogenetic location: 1q25.2.
Variant type: single nucleotide variant.
Coding change: c.4G>A on transcript NM_015602.4 (MANE Select); coding-DNA position 4, G replaced by A.
Protein change: p.Ala2Thr; replaces alanine 2 with threonine.
Molecular consequence: missense variant.
Genome position (GRCh38, 1-based): chr1:179,882,506, G>A. VCF-style: chr1-179882506-G-A. GRCh37 (hg19) VCF-style: chr1-179851641-G-A.
Other names: c.4G>A, p.Ala2Thr (NM_001267578.2); short protein forms A2T.
Identifiers: ClinVar variation 1910970 (VCV001910970.5), dbSNP rs762432523, ClinGen allele CA1268617.
Genomic context (GRCh38, chr1:179,882,506, plus strand): 5'-GAGAACCTAGGGTCCATAAAGCCATCTTCGCGATCGACTAAAGCTACGTCAACAACTATG[G>A]CGGGCGACGGGCGGCGGGCAGAGGCGGTGCGGGAAGGATGGGGTGTGTACGTCACCCCCA-3'
Protein context (NP_056417.2, residues 1-12): M[Ala2Thr]GDGRRAEAVR

ClinVar aggregate classification (germline): Uncertain significance (1 of 4 stars; one submission).

Conditions:
Autosomal recessive limb-girdle muscular dystrophy type 2Y (MRRSDC). Also called: Muscular dystrophy, limb-girdle, type 2y; Muscular dystrophy, autosomal recessive, with rigid spine and distal joint contractures. Identifiers: Orphanet 424261, MedGen C4511482, MONDO:0014900, OMIM 617072.

gnomAD v4.1: 2 of 1,455,930 alleles (0.00014%); highest among the groups gnomAD compares: Admixed American, 0.0029%; no homozygotes.

Submission:

Labcorp Genetics (formerly Invitae), Labcorp
Classification: Uncertain significance for Autosomal recessive limb-girdle muscular dystrophy type 2Y. Last evaluated: 2022-07-29. Review status: criteria provided, single submitter. Criteria: Invitae Variant Classification Sherloc (09022015). Collection method: clinical testing. Allele origin: germline.
Comment: In summary, the available evidence is currently insufficient to determine the role of this variant in disease. Therefore, it has been classified as a Variant of Uncertain Significance. Algorithms developed to predict the effect of missense changes on protein structure and function are either unavailable or do not agree on the potential impact of this missense change (SIFT: "Deleterious"; PolyPhen-2: "Probably Damaging"; Align-GVGD: "Class C0"). This variant has not been reported in the literature in individuals affected with TOR1AIP1-related conditions. The frequency data for this variant in the population databases is considered unreliable, as metrics indicate poor data quality at this position in the gnomAD database. This sequence change replaces alanine, which is neutral and non-polar, with threonine, which is neutral and polar, at codon 2 of the TOR1AIP1 protein (p.Ala2Thr).